The following is an entry in ClinVar:

NM_004371.4(COPA):c.3615+49A>G

Gene: COPA (COPI coat complex subunit alpha; minus strand). Cytogenetic location: 1q23.2.
Variant type: single nucleotide variant.
Coding change: c.3615+49A>G on transcript NM_004371.4 (MANE Select); 49 bases into the intron after coding-DNA position 3615, A replaced by G.
Molecular consequence: intron variant.
Genome position (GRCh38, 1-based): chr1:160,290,443, T>C on the plus strand (A>G on the coding strand, the complement: COPA is on the minus strand). VCF-style: chr1-160290443-T-C. GRCh37 (hg19) VCF-style: chr1-160260233-T-C.
Other names: c.3642+49A>G (NM_001098398.2).
Identifiers: ClinVar variation 2628122 (VCV002628122.2), dbSNP rs2298104, ClinGen allele CA1197572.

ClinVar aggregate classification (germline): Benign (1 of 4 stars; one submission).

Allele frequency attached by ClinVar (database versions not stated): ESP Exome Variant Server 0.41858; TOPMed 0.41876; 1000 Genomes Project 30x 0.42146; 1000 Genomes Project 0.42252; gnomAD 0.42720; ExAC 0.47931; gnomAD exomes 0.50023.
gnomAD v4.1: 772,262 of 1,567,586 alleles (49%); highest among the groups gnomAD compares: South Asian, 61%; 194,316 homozygotes.

Submission:

Unidad de Genómica Garrahan, Hospital de Pediatría Garrahan
Classification: Benign. Last evaluated: 2023-11-12. Review status: criteria provided, single submitter. Criteria: ACMG Guidelines, 2015. Collection method: clinical testing. Allele origin: germline. Affected: no. Observed: 71 variant alleles.
Comment: This variant is classified as Benign based on local population frequency. This variant was detected in 74% of patients studied by a panel of primary immunodeficiencies. Number of patients: 71. Only high quality variants are reported.